The following is an entry in ClinVar:

NM_001376.5(DYNC1H1):c.9324A>G (p.Glu3108=)

Genes: DYNC1H1 (dynein cytoplasmic 1 heavy chain 1; plus strand), LOC126862060 (BRD4-independent group 4 enhancer GRCh37_chr14:102493659-102494858; plus strand). Cytogenetic location: 14q32.31.
Variant type: single nucleotide variant.
Coding change: c.9324A>G on transcript NM_001376.5 (MANE Select); coding-DNA position 9324, A replaced by G.
Protein change: p.Glu3108=; no amino-acid change (glutamic acid 3108 retained).
Molecular consequence: synonymous variant.
Genome position (GRCh38, 1-based): chr14:102,027,997, A>G. VCF-style: chr14-102027997-A-G. GRCh37 (hg19) VCF-style: chr14-102494334-A-G.
Identifiers: ClinVar variation 387092 (VCV000387092.39), dbSNP rs142338762, ClinGen allele CA7353207.

ClinVar aggregate classification (germline): Conflicting classifications of pathogenicity. Review status: criteria provided, conflicting classifications (1 of 4 stars). 6 submissions from 5 submitters: Uncertain significance (1); Likely benign (4). 1 of the submissions does not count toward it. Last evaluated 2026-04-01.

Conditions:
DYNC1H1-related disorder. Also called: DYNC1H1-related condition; DYNC1H1-related disorders. Identifiers: MedGen CN381529.
Autosomal dominant cerebellar ataxia. Also called: Spinocerebellar Ataxia, Dominant. Identifiers: Orphanet 99, MedGen C4087347, MONDO:0020380.
Charcot-Marie-Tooth disease axonal type 2O. Also called: CHARCOT-MARIE-TOOTH NEUROPATHY, AXONAL, TYPE 2O; CHARCOT-MARIE-TOOTH DISEASE, AXONAL, AUTOSOMAL DOMINANT, TYPE 2O; Charcot-Marie-Tooth disease, axonal, type 20; Charcot-Marie-Tooth Neuropathy Type 2O. Identifiers: Orphanet 284232, MedGen C3280220, MONDO:0013644, OMIM 614228.

Allele frequency attached by ClinVar (database versions not stated): gnomAD exomes 0.00025 and 0.00010; gnomAD 0.00011; ExAC 0.00012; TOPMed 0.00012; ESP Exome Variant Server 0.00023.
gnomAD v4.1: 381 of 1,614,108 alleles (0.024%); highest among the groups gnomAD compares: Non-Finnish European, 0.031%; no homozygotes.

Submissions (6):

CeGaT Center for Human Genetics Tuebingen
Classification: Likely benign. Last evaluated: 2026-04-01. Review status: criteria provided, single submitter. Criteria: CeGaT Center For Human Genetics Tuebingen Variant Classification Criteria Version 2. Collection method: clinical testing. Allele origin: germline. Affected: yes. Observed: 3 variant alleles.
Comment: DYNC1H1: BP4, BP7

Labcorp Genetics (formerly Invitae), Labcorp
Classification: Likely benign for Charcot-Marie-Tooth disease axonal type 2O. Last evaluated: 2026-01-26. Review status: criteria provided, single submitter. Criteria: Invitae Variant Classification Sherloc (09022015). Collection method: clinical testing. Allele origin: germline.

GeneDx
Classification: Likely benign. Last evaluated: 2021-01-06. Review status: criteria provided, single submitter. Criteria: GeneDx Variant Classification Process June 2021. Collection method: clinical testing. Allele origin: germline. Affected: yes.

Illumina Laboratory Services, Illumina
Classification: Uncertain significance for Charcot-Marie-Tooth disease axonal type 2O. Last evaluated: 2018-01-12. Review status: criteria provided, single submitter. Criteria: ICSL Variant Classification Criteria 13 December 2019. Collection method: clinical testing. Allele origin: germline.

Illumina Laboratory Services, Illumina
Classification: Likely benign for Spinocerebellar Ataxia, Dominant. Last evaluated: 2018-01-12. Review status: criteria provided, single submitter. Criteria: ICSL Variant Classification Criteria 13 December 2019. Collection method: clinical testing. Allele origin: germline.
Comment: This variant was observed in the ICSL laboratory as part of a predisposition screen in an ostensibly healthy population. It had not been previously curated by ICSL or reported in the Human Gene Mutation Database (HGMD: prior to June 1st, 2018), and was therefore a candidate for classification through an automated scoring system. Utilizing variant allele frequency, disease prevalence and penetrance estimates, and inheritance mode, an automated score was calculated to assess if this variant is too frequent to cause the disease. Based on the score and internal cut-off values, a variant classified as likely benign is not then subjected to further curation. The score for this variant resulted in a classification of likely benign for this disease.

PreventionGenetics, part of Exact Sciences
Classification: Likely benign for DYNC1H1-related condition. Last evaluated: 2022-06-08. Review status: no assertion criteria provided. Collection method: clinical testing. Allele origin: germline. Not counted in ClinVar's aggregate classification.
Comment: This variant is classified as likely benign based on ACMG/AMP sequence variant interpretation guidelines (Richards et al. 2015 PMID: 25741868, with internal and published modifications).